The following is an entry in ClinVar:

ClinVar aggregate classification (germline): Uncertain significance (1 of 4 stars; one submission).

Conditions:
Malignant hyperthermia, susceptibility to, 1 (MHS1). Also called: RYR1-Related Malignant Hyperthermia Susceptibility; Anesthesia related hyperthermia; Malignant hyperpyrexia; Fulminating hyperpyrexia; Pharmacogenic myopathy; Malignant hyperthermia suceptibility 1. Identifiers: Orphanet 423, MedGen C2930980, MONDO:0007783, OMIM 145600.

Allele frequency attached by ClinVar (database versions not stated): gnomAD exomes below 0.00001; ExAC 0.00001.
gnomAD v4.1: 7 of 1,614,060 alleles (0.00043%); highest among the groups gnomAD compares: Middle Eastern, 0.016%; no homozygotes.

Submission:

All of Us Research Program, National Institutes of Health
Classification: Uncertain significance for Malignant hyperthermia, susceptibility to, 1. Last evaluated: 2023-04-03. Review status: criteria provided, single submitter. Criteria: ACMG Guidelines, 2015. Collection method: clinical testing. Allele origin: germline. Inheritance: Autosomal dominant inheritance. Observed: 1 variant allele, 1 heterozygote.
Comment: This missense variant replaces aspartic acid with asparagine at codon 1153 of the RYR1 protein. Computational prediction suggests that this variant may not impact protein structure and function (internally defined REVEL score threshold <= 0.5, PMID: 27666373). To our knowledge, functional studies have not been reported for this variant. This variant has not been reported in individuals affected with RYR1-related disorders in the literature. This variant has been identified in 1/251486 chromosomes in the general population by the Genome Aggregation Database (gnomAD). The available evidence is insufficient to determine the role of this variant in disease conclusively. Therefore, this variant is classified as a Variant of Uncertain Significance.

This study involves interpretation of variants in research participants for the purpose of population health screening. Participant phenotype was not available at the time of variant classification. Additional details can be found in publication PMID: 35346344, PMCID: PMC8962531

NM_000540.3(RYR1):c.3457G>A (p.Asp1153Asn)

Gene: RYR1 (ryanodine receptor 1; plus strand). Cytogenetic location: 19q13.2.
Variant type: single nucleotide variant.
Coding change: c.3457G>A on transcript NM_000540.3 (MANE Select); coding-DNA position 3457, G replaced by A.
Protein change: p.Asp1153Asn; replaces aspartic acid 1153 with asparagine.
Molecular consequence: missense variant.
Genome position (GRCh38, 1-based): chr19:38,469,041, G>A. VCF-style: chr19-38469041-G-A. GRCh37 (hg19) VCF-style: chr19-38959681-G-A.
Other names: c.3457G>A, p.Asp1153Asn (NM_001042723.2); short protein forms D1153N.
Identifiers: ClinVar variation 3070185 (VCV003070185.1), dbSNP rs756789468, ClinGen allele CA064913.